The following is an entry in ClinVar:

NM_001267550.2(TTN):c.65792C>G (p.Ser21931Ter)

Genes: TTN (titin; minus strand), TTN-AS1 (TTN antisense RNA 1; plus strand). Cytogenetic location: 2q31.2.
Variant type: single nucleotide variant.
Coding change: c.65792C>G on transcript NM_001267550.2 (MANE Select); coding-DNA position 65792, C replaced by G.
Protein change: p.Ser21931Ter; replaces serine 21931 with a stop codon.
Molecular consequence: nonsense. On other transcripts: non-coding transcript variant (1).
Genome position (GRCh38, 1-based): chr2:178,583,011, G>C on the plus strand (C>G on the coding strand, the complement: TTN is on the minus strand). VCF-style: chr2-178583011-G-C. GRCh37 (hg19) VCF-style: chr2-179447738-G-C.
Other names: c.60869C>G, p.Ser20290Ter (NM_001256850.1); c.38597C>G, p.Ser12866Ter (NM_003319.4); c.58088C>G, p.Ser19363Ter (NM_133378.4); c.38972C>G, p.Ser12991Ter (NM_133432.3); c.39173C>G, p.Ser13058Ter (NM_133437.4); short protein forms S12866*, S20290*, S21931*, S13058*, S12991*, S19363*.
Identifiers: ClinVar variation 2035749 (VCV002035749.4), dbSNP rs2469062184, ClinGen allele CA349432644.

ClinVar aggregate classification (germline): Likely pathogenic (1 of 4 stars; one submission).

Conditions:
Dilated cardiomyopathy 1G (CMD1G). Identifiers: Orphanet 154, MedGen C1858763, MONDO:0011400, OMIM 604145.
Autosomal recessive limb-girdle muscular dystrophy type 2J (LGMDR10). Also called: Limb-girdle muscular dystrophy, type 2J; MUSCULAR DYSTROPHY, LIMB-GIRDLE, AUTOSOMAL RECESSIVE 10. Identifiers: Orphanet 140922, MedGen C1837342, MONDO:0012127, OMIM 608807.

Submission:

Labcorp Genetics (formerly Invitae), Labcorp
Classification: Likely pathogenic for Dilated cardiomyopathy 1G; Autosomal recessive limb-girdle muscular dystrophy type 2J. Last evaluated: 2022-10-16. Review status: criteria provided, single submitter. Criteria: Invitae Variant Classification Sherloc (09022015). Collection method: clinical testing. Allele origin: germline.
Comment: In summary, the currently available evidence indicates that the variant is pathogenic, but additional data are needed to prove that conclusively. Therefore, this variant has been classified as Likely Pathogenic. This variant is located in the A band of TTN (PMID: 25589632). Truncating variants in this region are significantly overrepresented in patients affected with dilated cardiomyopathy (PMID: 25589632). Truncating variants in this region have also been reported in individuals affected with autosomal recessive centronuclear myopathy (PMID: 23975875). This variant has not been reported in the literature in individuals affected with TTN-related conditions. This variant is not present in population databases (gnomAD no frequency). This sequence change creates a premature translational stop signal (p.Ser21931*) in the TTN gene. While this is not anticipated to result in nonsense mediated decay, it is expected to create a truncated TTN protein.

Literature cited by the submitters: PubMed 25589632; PubMed 23975875.